The following is an entry in ClinVar:

ClinVar aggregate classification (germline): Uncertain significance (1 of 4 stars; one submission).

gnomAD v4.1: 1 of 1,614,112 alleles (0.000062%); highest among the groups gnomAD compares: Non-Finnish European, 0.000085%; no homozygotes.

Submission:

Ambry Genetics
Classification: Uncertain significance. Last evaluated: 2025-05-21. Review status: criteria provided, single submitter. Criteria: Ambry Variant Classification Scheme 2023. Collection method: clinical testing. Allele origin: germline.
Comment: The p.S826R variant (also known as c.2476A>C), located in coding exon 1 of the TET2 gene, results from an A to C substitution at nucleotide position 2476. The serine at codon 826 is replaced by arginine, an amino acid with dissimilar properties. This amino acid position is conserved. In addition, this alteration is predicted to be tolerated by in silico analysis. Based on the available evidence, the clinical significance of this variant remains unclear.

NM_001127208.3(TET2):c.2476A>C (p.Ser826Arg)

Genes: TET2 (tet methylcytosine dioxygenase 2; plus strand), TET2-AS1 (TET2 antisense RNA 1; minus strand). Cytogenetic location: 4q24.
Variant type: single nucleotide variant.
Coding change: c.2476A>C on transcript NM_001127208.3 (MANE Select); coding-DNA position 2476, A replaced by C.
Protein change: p.Ser826Arg; replaces serine 826 with arginine.
Molecular consequence: missense variant.
Genome position (GRCh38, 1-based): chr4:105,236,418, A>C. VCF-style: chr4-105236418-A-C. GRCh37 (hg19) VCF-style: chr4-106157575-A-C.
Other names: c.2476A>C, p.Ser826Arg (NM_017628.4); short protein forms S826R.
Identifiers: ClinVar variation 3967658 (VCV003967658.1).
Genomic context (GRCh38, chr4:105,236,418, plus strand): 5'-CTGGAGGAAGTACAGAATATAAATCGTAGAAATTCCCCTTATAGTCAGACCATGAAATCA[A>C]GTGCATGCAAAATACAGGTTTCTTGTTCAAACAATACACACCTAGTTTCAGAGAATAAAG-3'
Protein context (NP_001120680.1, residues 816-836): NSPYSQTMKS[Ser826Arg]ACKIQVSCSN